The following is an entry in ClinVar:

NM_001388303.1(HECTD4):c.12508T>G (p.Tyr4170Asp)

Gene: HECTD4 (HECT domain E3 ubiquitin protein ligase 4; minus strand). Cytogenetic location: 12q24.13.
Variant type: single nucleotide variant.
Coding change: c.12508T>G on transcript NM_001388303.1 (MANE Select); coding-DNA position 12508, T replaced by G.
Protein change: p.Tyr4170Asp; replaces tyrosine 4170 with aspartic acid.
Molecular consequence: missense variant.
Genome position (GRCh38, 1-based): chr12:112,167,343, A>C on the plus strand (T>G on the coding strand, the complement: HECTD4 is on the minus strand). VCF-style: chr12-112167343-A-C. GRCh37 (hg19) VCF-style: chr12-112605147-A-C.
Other names: c.12538T>G, p.Tyr4180Asp (NM_001109662.4); short protein forms Y4170D, Y4180D.
Identifiers: ClinVar variation 3772250 (VCV003772250.13).

ClinVar aggregate classification (germline): Uncertain significance (1 of 4 stars; one submission).

Submission:

CeGaT Center for Human Genetics Tuebingen
Classification: Uncertain significance. Last evaluated: 2025-01-01. Review status: criteria provided, single submitter. Criteria: CeGaT Center For Human Genetics Tuebingen Variant Classification Criteria Version 2. Collection method: clinical testing. Allele origin: germline. Affected: yes. Observed: 1 variant allele.
Comment: HECTD4: PM2, PP2